The following is an entry in ClinVar:

ClinVar aggregate classification (germline): Likely pathogenic (1 of 4 stars; one submission).

Conditions:
Usher syndrome type 1F (USH1F). Also called: USHER SYNDROME, TYPE IF. Identifiers: Orphanet 231169, Orphanet 886, MedGen C1865885, MONDO:0011186, OMIM 602083.

Submission:

Institute of Human Genetics, Cologne University
Classification: Likely pathogenic for Usher syndrome type 1F. Last evaluated: 2021-12-03. Review status: criteria provided, single submitter. Criteria: ACMG Guidelines, 2015. Collection method: clinical testing. Allele origin: germline. Inheritance: Autosomal recessive inheritance. Affected: yes. Observed: 1 homozygote.
Comment: PM2_supporting, PVS1_strong, PM3_supporting (was detected in homozygous state)

NM_001384140.1(PCDH15):c.876+1G>C

Gene: PCDH15 (protocadherin related 15; minus strand). Cytogenetic location: 10q21.1.
Variant type: single nucleotide variant.
Coding change: c.876+1G>C on transcript NM_001384140.1 (MANE Select); the canonical splice donor site of the intron after coding-DNA position 876, G replaced by C.
Molecular consequence: splice donor variant.
Genome position (GRCh38, 1-based): chr10:54,317,270, C>G on the plus strand (G>C on the coding strand, the complement: PCDH15 is on the minus strand). VCF-style: chr10-54317270-C-G. GRCh37 (hg19) VCF-style: chr10-56077030-C-G.
Other names: c.876+1G>C (NM_001354411.2, NM_001142765.2, NM_001142766.2 and 7 more transcripts); c.891+1G>C (NM_001142769.3, NM_001142763.2, NM_001142771.2); c.810+1G>C (NM_001354404.2, NM_001142773.2, NM_001142768.2); c.765+1G>C (NM_001142767.2).
Identifiers: ClinVar variation 1326934 (VCV001326934.1), dbSNP rs2133646979, ClinGen allele CA376540756.